The following is an entry in ClinVar:

NM_001040108.2(MLH3):c.1217T>G (p.Leu406Trp)

Gene: MLH3 (mutL homolog 3; minus strand). Cytogenetic location: 14q24.3.
Variant type: single nucleotide variant.
Coding change: c.1217T>G on transcript NM_001040108.2 (MANE Select); coding-DNA position 1217, T replaced by G.
Protein change: p.Leu406Trp; replaces leucine 406 with tryptophan.
Molecular consequence: missense variant.
Genome position (GRCh38, 1-based): chr14:75,048,439, A>C on the plus strand (T>G on the coding strand, the complement: MLH3 is on the minus strand). VCF-style: chr14-75048439-A-C. GRCh37 (hg19) VCF-style: chr14-75515142-A-C.
Other names: c.1217T>G, p.Leu406Trp (NM_014381.3); short protein forms L406W.
Identifiers: ClinVar variation 4055453 (VCV004055453.1).

ClinVar aggregate classification (germline): Uncertain significance (1 of 4 stars; one submission).

Submission:

Ambry Genetics
Classification: Uncertain significance. Last evaluated: 2025-03-18. Review status: criteria provided, single submitter. Criteria: Ambry Variant Classification Scheme 2023. Collection method: clinical testing. Allele origin: germline.
Comment: The p.L406W variant (also known as c.1217T>G), located in coding exon 1 of the MLH3 gene, results from a T to G substitution at nucleotide position 1217. The leucine at codon 406 is replaced by tryptophan, an amino acid with similar properties. This amino acid position is conserved. In addition, the in silico prediction for this alteration is inconclusive. Based on the available evidence, the clinical significance of this variant remains unclear.